The following is an entry in ClinVar:

ClinVar aggregate classification (germline): Benign/Likely benign. Review status: criteria provided, multiple submitters, no conflicts (2 of 4 stars). 3 submissions from 3 submitters: Benign (1); Likely benign (2). Last evaluated 2025-11-01.

Allele frequency attached by ClinVar (database versions not stated): TOPMed 0.00002; gnomAD exomes 0.00014 and 0.00031; 1000 Genomes Project 30x 0.00016; 1000 Genomes Project 0.00020; ExAC 0.00025; gnomAD 0.00048 and 0.00052.
gnomAD v4.1: 271 of 1,614,214 alleles (0.017%); highest among the groups gnomAD compares: Non-Finnish European, 0.0025%; 1 homozygote.

Submissions (4):

CeGaT Center for Human Genetics Tuebingen
Classification: Likely benign. Last evaluated: 2025-11-01. Review status: criteria provided, single submitter. Criteria: CeGaT Center For Human Genetics Tuebingen Variant Classification Criteria Version 2. Collection method: clinical testing. Allele origin: germline. Affected: yes. Observed: 2 variant alleles.
Comment: SRCAP: BS1

Labcorp Genetics (formerly Invitae), Labcorp
Classification: Benign. Last evaluated: 2024-11-10. Review status: criteria provided, single submitter. Criteria: Invitae Variant Classification Sherloc (09022015). Collection method: clinical testing. Allele origin: germline.

Blueprint Genetics
Classification: Likely benign. Last evaluated: 2024-07-16. Review status: criteria provided, single submitter. Criteria: ACMG Guidelines, 2015. Collection method: clinical testing. Allele origin: germline.

Dr. Peter K. Rogan Lab, Western University
No classification provided (evidence only). Condition: Gastric cancer. Review status: no classification provided. Collection method: in vitro. Allele origin: not applicable. Functional consequence: retained intron. Not counted in ClinVar's aggregate classification.

NM_006662.3(SRCAP):c.1162C>G (p.Gln388Glu)

Gene: SRCAP (Snf2 related CREBBP activator protein; plus strand). Cytogenetic location: 16p11.2.
Variant type: single nucleotide variant.
Coding change: c.1162C>G on transcript NM_006662.3 (MANE Select); coding-DNA position 1162, C replaced by G.
Protein change: p.Gln388Glu; replaces glutamine 388 with glutamic acid.
Molecular consequence: missense variant.
Genome position (GRCh38, 1-based): chr16:30,710,781, C>G. VCF-style: chr16-30710781-C-G. GRCh37 (hg19) VCF-style: chr16-30722102-C-G.
Other names: short protein forms Q388E.
Identifiers: ClinVar variation 1601491 (VCV001601491.28), dbSNP rs201156311, ClinGen allele CA8010894.